The following is an entry in ClinVar:

ClinVar aggregate classification (germline): Uncertain significance (1 of 4 stars; one submission).

Allele frequency attached by ClinVar (database versions not stated): gnomAD exomes below 0.00001; gnomAD 0.00001; TOPMed 0.00001.
gnomAD v4.1: 5 of 1,613,606 alleles (0.00031%); highest among the groups gnomAD compares: African/African-American, 0.0067%; no homozygotes.

Submission:

Laboratory for Molecular Medicine, Mass General Brigham Personalized Medicine
Classification: Uncertain significance. Last evaluated: 2021-05-06. Review status: criteria provided, single submitter. Criteria: ACMG Guidelines, 2015. Collection method: clinical testing. Allele origin: germline.
Comment: It has been identified in 1/8716 of African/African-American chromosomes by gnomAD. Computational prediction tools and conservation analyses suggest that this variant may impact the protein, though this information is not predictive enough to determine pathogenicity. In summary, the clinical significance of this variant is uncertain. ACMG/AMP Criteria applied: PP3, PM2_Supporting.

NM_001267550.2(TTN):c.85351C>T (p.Pro28451Ser)

Genes: TTN-AS1 (TTN antisense RNA 1; plus strand), TTN (titin; minus strand). Cytogenetic location: 2q31.2.
Variant type: single nucleotide variant.
Coding change: c.85351C>T on transcript NM_001267550.2 (MANE Select); coding-DNA position 85351, C replaced by T.
Protein change: p.Pro28451Ser; replaces proline 28451 with serine.
Molecular consequence: missense variant.
Genome position (GRCh38, 1-based): chr2:178,560,781, G>A on the plus strand (C>T on the coding strand, the complement: TTN is on the minus strand). VCF-style: chr2-178560781-G-A. GRCh37 (hg19) VCF-style: chr2-179425508-G-A.
Other names: c.77647C>T, p.Pro25883Ser (NM_133378.4); c.80428C>T, p.Pro26810Ser (NM_001256850.1); c.58156C>T, p.Pro19386Ser (NM_003319.4); c.58531C>T, p.Pro19511Ser (NM_133432.3); c.58732C>T, p.Pro19578Ser (NM_133437.4); short protein forms P25883S, P28451S, P19386S, P19511S, P26810S, P19578S.
Identifiers: ClinVar variation 165784 (VCV000165784.6), dbSNP rs727503554, ClinGen allele CA178466.